The following is an entry in ClinVar:

NM_001010909.5(MUC21):c.1101G>A (p.Thr367=)

Genes: MUC21 (mucin 21, cell surface associated; plus strand), LOC126859647 (CDK7 strongly-dependent group 2 enhancer GRCh37_chr6:30954612-30955811; plus strand). Cytogenetic location: 6p21.33.
Variant type: single nucleotide variant.
Coding change: c.1101G>A on transcript NM_001010909.5 (MANE Select); coding-DNA position 1101, G replaced by A.
Protein change: p.Thr367=; no amino-acid change (threonine 367 retained).
Molecular consequence: synonymous variant. On other transcripts: non-coding transcript variant (1).
Genome position (GRCh38, 1-based): chr6:30,987,276, G>A. VCF-style: chr6-30987276-G-A. GRCh37 (hg19) VCF-style: chr6-30955053-G-A.
Identifiers: ClinVar variation 3904823 (VCV003904823.10).

ClinVar aggregate classification (germline): Likely benign (1 of 4 stars; one submission).

Submission:

CeGaT Center for Human Genetics Tuebingen
Classification: Likely benign. Last evaluated: 2026-09-01. Review status: criteria provided, single submitter. Criteria: CeGaT Center For Human Genetics Tuebingen Variant Classification Criteria Version 2. Collection method: clinical testing. Allele origin: germline. Affected: yes. Observed: 14 variant alleles.
Comment: MUC21: BP4, BP7